The following is an entry in ClinVar:

NM_006946.4(SPTBN2):c.2967C>T (p.Asn989=)

Gene: SPTBN2 (spectrin beta, non-erythrocytic 2; minus strand). Cytogenetic location: 11q13.2.
Variant type: single nucleotide variant.
Coding change: c.2967C>T on transcript NM_006946.4 (MANE Select); coding-DNA position 2967, C replaced by T.
Protein change: p.Asn989=; no amino-acid change (asparagine 989 retained).
Molecular consequence: synonymous variant.
Genome position (GRCh38, 1-based): chr11:66,701,132, G>A on the plus strand (C>T on the coding strand, the complement: SPTBN2 is on the minus strand). VCF-style: chr11-66701132-G-A. GRCh37 (hg19) VCF-style: chr11-66468603-G-A.
Identifiers: ClinVar variation 1638677 (VCV001638677.16), dbSNP rs761027154, ClinGen allele CA6128971.

ClinVar aggregate classification (germline): Likely benign. Review status: criteria provided, multiple submitters, no conflicts (2 of 4 stars). 3 submissions from 3 submitters: Likely benign (3). Last evaluated 2025-10-02.

Allele frequency attached by ClinVar (database versions not stated): gnomAD exomes 0.00004 and 0.00007; ExAC 0.00006; gnomAD 0.00006; TOPMed 0.00006.

Submissions (3):

Labcorp Genetics (formerly Invitae), Labcorp
Classification: Likely benign. Last evaluated: 2025-10-02. Review status: criteria provided, single submitter. Criteria: Invitae Variant Classification Sherloc (09022015). Collection method: clinical testing. Allele origin: germline.

CeGaT Center for Human Genetics Tuebingen
Classification: Likely benign. Last evaluated: 2025-04-01. Review status: criteria provided, single submitter. Criteria: CeGaT Center For Human Genetics Tuebingen Variant Classification Criteria Version 2. Collection method: clinical testing. Allele origin: germline. Affected: yes. Observed: 1 variant allele.
Comment: SPTBN2: BP4, BP7

Blueprint Genetics
Classification: Likely benign. Last evaluated: 2023-11-03. Review status: criteria provided, single submitter. Criteria: ACMG Guidelines, 2015. Collection method: clinical testing. Allele origin: germline.